The following is an entry in ClinVar:

ClinVar aggregate classification (germline): Pathogenic. Review status: criteria provided, multiple submitters, no conflicts (2 of 4 stars). 2 submissions from 2 submitters: Pathogenic (2). Last evaluated 2023-08-09.

Conditions:
Hereditary cancer-predisposing syndrome. Also called: Hereditary neoplastic syndrome; Hereditary Cancer Syndrome; Neoplastic Syndromes, Hereditary; Tumor predisposition. Identifiers: Orphanet 140162, MedGen C0027672, MeSH D009386, MONDO:0015356.
Lynch syndrome 5 (LYNCH5). Also called: Hereditary non-polyposis colorectal cancer, type 5; Colorectal cancer, hereditary nonpolyposis, type 5. Identifiers: Orphanet 144, MedGen C1833477, MONDO:0013710, OMIM 614350. Disease mechanism: loss of function.

gnomAD v4.1: 1 of 1,446,292 alleles (0.000069%); highest among the groups gnomAD compares: Non-Finnish European, 0.000091%; no homozygotes.

Submissions (2):

Myriad Genetics, Inc.
Classification: Pathogenic for Lynch syndrome 5. Last evaluated: 2023-08-09. Review status: criteria provided, single submitter. Criteria: Myriad Autosomal Dominant, Autosomal Recessive and X-Linked Classification Criteria (2023). Collection method: clinical testing. Allele origin: unknown.
Comment: This variant is considered pathogenic. This variant creates a termination codon and is predicted to result in premature protein truncation.

Ambry Genetics
Classification: Pathogenic for Hereditary cancer-predisposing syndrome. Last evaluated: 2023-04-19. Review status: criteria provided, single submitter. Criteria: Ambry Variant Classification Scheme 2023. Collection method: clinical testing. Allele origin: germline.
Comment: The p.S79* pathogenic mutation (also known as c.236C>A), located in coding exon 1 of the MSH6 gene, results from a C to A substitution at nucleotide position 236. This changes the amino acid from a serine to a stop codon within coding exon 1. This alteration is expected to result in loss of function by premature protein truncation or nonsense-mediated mRNA decay. As such, this alteration is interpreted as a disease-causing mutation.

NM_000179.3(MSH6):c.236C>A (p.Ser79Ter)

Gene: MSH6 (mutS homolog 6; plus strand). Cytogenetic location: 2p16.3.
Variant type: single nucleotide variant.
Coding change: c.236C>A on transcript NM_000179.3 (MANE Select); coding-DNA position 236, C replaced by A.
Protein change: p.Ser79Ter; replaces serine 79 with a stop codon.
Molecular consequence: nonsense. On other transcripts: 5 prime UTR variant (7), missense variant (1), non-coding transcript variant (5), intron variant (5).
Genome position (GRCh38, 1-based): chr2:47,783,469, C>A. VCF-style: chr2-47783469-C-A. GRCh37 (hg19) VCF-style: chr2-48010608-C-A.
Other names: c.236C>A, p.Ser79Ter (NM_001281492.2, NM_001406795.1, NM_001406796.1 and 9 more transcripts); c.-501C>A (NM_001281493.2, NM_001406811.1); c.-93C>A (NM_001406799.1); c.181C>A, p.Arg61Ser (NM_001406804.1); c.-693C>A (NM_001406807.1); c.-348C>A (NM_001406812.1); c.-759C>A (NM_001406814.1); c.-304C>A (NM_001406816.1); and 3 more; short protein forms R61S, S79*.
Identifiers: ClinVar variation 2567456 (VCV002567456.3), dbSNP rs1428717797, ClinGen allele CA346735108.